The following is an entry in ClinVar:

ClinVar aggregate classification (germline): Uncertain significance (1 of 4 stars; one submission).

Conditions:
Cardiovascular phenotype. Identifiers: MedGen CN230736.

gnomAD v4.1: 1 of 1,613,872 alleles (0.000062%); no homozygotes.

Submission:

Ambry Genetics
Classification: Uncertain significance for Cardiovascular phenotype. Last evaluated: 2019-06-28. Review status: criteria provided, single submitter. Criteria: Ambry Variant Classification Scheme 2023. Collection method: clinical testing. Allele origin: germline.
Comment: The p.N2547S variant (also known as c.7640A>G), located in coding exon 31 of the TTN gene, results from an A to G substitution at nucleotide position 7640. The asparagine at codon 2547 is replaced by serine, an amino acid with highly similar properties. This amino acid position is well conserved in available vertebrate species. In addition, this alteration is predicted to be tolerated by in silico analysis. Since supporting evidence is limited at this time, the clinical significance of this alteration remains unclear.

NM_001267550.2(TTN):c.7778A>G (p.Asn2593Ser)

Gene: TTN (titin; minus strand). Cytogenetic location: 2q31.2.
Variant type: single nucleotide variant.
Coding change: c.7778A>G on transcript NM_001267550.2 (MANE Select); coding-DNA position 7778, A replaced by G.
Protein change: p.Asn2593Ser; replaces asparagine 2593 with serine.
Molecular consequence: missense variant.
Genome position (GRCh38, 1-based): chr2:178,773,186, T>C on the plus strand (A>G on the coding strand, the complement: TTN is on the minus strand). VCF-style: chr2-178773186-T-C. GRCh37 (hg19) VCF-style: chr2-179637913-T-C.
Other names: c.7778A>G, p.Asn2593Ser (NM_001256850.1, NM_133378.4, NM_133379.5); c.7640A>G, p.Asn2547Ser (NM_003319.4, NM_133432.3, NM_133437.4); short protein forms N2547S, N2593S.
Identifiers: ClinVar variation 1759943 (VCV001759943.2), dbSNP rs2532652577, ClinGen allele CA349679004.